The following is an entry in ClinVar:

NM_016169.4(SUFU):c.716G>A (p.Arg239Gln)

Gene: SUFU (SUFU negative regulator of hedgehog signaling; plus strand). Cytogenetic location: 10q24.32.
Variant type: single nucleotide variant.
Coding change: c.716G>A on transcript NM_016169.4 (MANE Select); coding-DNA position 716, G replaced by A.
Protein change: p.Arg239Gln; replaces arginine 239 with glutamine.
Molecular consequence: missense variant.
Genome position (GRCh38, 1-based): chr10:102,594,025, G>A. VCF-style: chr10-102594025-G-A. GRCh37 (hg19) VCF-style: chr10-104353782-G-A.
Other names: c.716G>A, p.Arg239Gln (NM_001178133.2); c.716G>A (NM_016169.3); short protein forms R239Q.
Identifiers: ClinVar variation 999529 (VCV000999529.17), dbSNP rs1403040084, ClinGen allele CA377909809.

ClinVar aggregate classification (germline): Uncertain significance. Review status: criteria provided, multiple submitters, no conflicts (2 of 4 stars). 4 submissions from 4 submitters: Uncertain significance (4). Last evaluated 2024-01-13.

Conditions:
Gorlin syndrome. Also called: Basal cell nevus syndrome; Nevoid Basal Cell Carcinoma Syndrome. Identifiers: Orphanet 377, MedGen C0004779, MONDO:0007187.
Medulloblastoma (MDB). Also called: Medulloblastoma, somatic; MEDULLOBLASTOMA PREDISPOSITION SYNDROME. Identifiers: Orphanet 616, MedGen C0025149, MeSH D008527, MONDO:0007959, OMIM 155255, HP:0002885.
Familial meningioma. Also called: Meningioma, familial, susceptibility to. Identifiers: Orphanet 263662, MedGen C3551915, MONDO:0011789, OMIM 607174.
Joubert syndrome 32 (JBTS32). Identifiers: MedGen C4540342, MONDO:0033309, OMIM 617757.
Hereditary cancer-predisposing syndrome. Also called: Neoplastic Syndromes, Hereditary; Hereditary neoplastic syndrome; Hereditary Cancer Syndrome; Tumor predisposition. Identifiers: Orphanet 140162, MedGen C0027672, MeSH D009386, MONDO:0015356.

Allele frequency attached by ClinVar (database versions not stated): gnomAD exomes below 0.00001.
gnomAD v4.1: 5 of 1,613,644 alleles (0.00031%); highest among the groups gnomAD compares: South Asian, 0.0011%; no homozygotes.

Submissions (4):

Labcorp Genetics (formerly Invitae), Labcorp
Classification: Uncertain significance for Gorlin syndrome; Medulloblastoma. Last evaluated: 2024-01-13. Review status: criteria provided, single submitter. Criteria: Invitae Variant Classification Sherloc (09022015). Collection method: clinical testing. Allele origin: germline.
Comment: This sequence change replaces arginine, which is basic and polar, with glutamine, which is neutral and polar, at codon 239 of the SUFU protein (p.Arg239Gln). This variant is not present in population databases (gnomAD no frequency). This variant has not been reported in the literature in individuals affected with SUFU-related conditions. ClinVar contains an entry for this variant (Variation ID: 999529). Advanced modeling of protein sequence and biophysical properties (such as structural, functional, and spatial information, amino acid conservation, physicochemical variation, residue mobility, and thermodynamic stability) performed at Invitae indicates that this missense variant is not expected to disrupt SUFU protein function with a negative predictive value of 80%. In summary, the available evidence is currently insufficient to determine the role of this variant in disease. Therefore, it has been classified as a Variant of Uncertain Significance.

Baylor Genetics
Classification: Uncertain significance for Familial meningioma. Last evaluated: 2023-05-10. Review status: criteria provided, single submitter. Criteria: ACMG Guidelines, 2015. Collection method: clinical testing. Allele origin: unknown.

MGZ Medical Genetics Center
Classification: Uncertain significance for Joubert syndrome 32. Last evaluated: 2022-05-17. Review status: criteria provided, single submitter. Criteria: ACMG Guidelines, 2015. Collection method: clinical testing. Allele origin: germline. Affected: yes. Observed: 1 variant allele.
Comment: ACMG criteria applied: PM2_SUP, PM3_SUP

Ambry Genetics
Classification: Uncertain significance for Hereditary cancer-predisposing syndrome. Last evaluated: 2021-08-11. Review status: criteria provided, single submitter. Criteria: Ambry Variant Classification Scheme 2023. Collection method: clinical testing. Allele origin: germline.
Comment: The p.R239Q variant (also known as c.716G>A), located in coding exon 6 of the SUFU gene, results from a G to A substitution at nucleotide position 716. The arginine at codon 239 is replaced by glutamine, an amino acid with highly similar properties. In a cohort of 300 deceased patients, who underwent whole genome sequencing for 60 autosomal dominant cancer predisposition genes, this variant was detected and classified as a variant of uncertain significance by the authors. However, the specific phenotype of the patient(s) with this alteration was not reported (He KY et al. PLoS One, 2016 Dec;11:e0167847). This amino acid position is highly conserved in available vertebrate species. In addition, this alteration is predicted to be deleterious by in silico analysis. Since supporting evidence is limited at this time, the clinical significance of this alteration remains unclear.

Literature cited by the submitters: PubMed 27930734 (cited by Ambry Genetics).